The following is an entry in ClinVar:

ClinVar aggregate classification (germline): Uncertain significance (1 of 4 stars; one submission).

Submission:

Labcorp Genetics (formerly Invitae), Labcorp
Classification: Uncertain significance. Last evaluated: 2023-10-03. Review status: criteria provided, single submitter. Criteria: Invitae Variant Classification Sherloc (09022015). Collection method: clinical testing. Allele origin: germline.
Comment: This sequence change replaces glycine, which is neutral and non-polar, with arginine, which is basic and polar, at codon 52 of the ANKZF1 protein (p.Gly52Arg). This variant is not present in population databases (gnomAD no frequency). This variant has not been reported in the literature in individuals affected with ANKZF1-related conditions. ClinVar contains an entry for this variant (Variation ID: 1389593). An algorithm developed to predict the effect of missense changes on protein structure and function (PolyPhen-2) suggests that this variant is likely to be tolerated. In summary, the available evidence is currently insufficient to determine the role of this variant in disease. Therefore, it has been classified as a Variant of Uncertain Significance.

NM_018089.3(ANKZF1):c.154G>A (p.Gly52Arg)

Gene: ANKZF1 (ankyrin repeat and zinc finger peptidyl tRNA hydrolase 1; plus strand). Cytogenetic location: 2q35.
Variant type: single nucleotide variant.
Coding change: c.154G>A on transcript NM_018089.3 (MANE Select); coding-DNA position 154, G replaced by A.
Protein change: p.Gly52Arg; replaces glycine 52 with arginine.
Molecular consequence: missense variant. On other transcripts: intron variant (1).
Genome position (GRCh38, 1-based): chr2:219,231,933, G>A. VCF-style: chr2-219231933-G-A. GRCh37 (hg19) VCF-style: chr2-220096655-G-A.
Other names: c.154G>A, p.Gly52Arg (NM_001042410.2); c.-266-557G>A (NM_001282792.2); short protein forms G52R.
Identifiers: ClinVar variation 1389593 (VCV001389593.8), dbSNP rs2106458016, ClinGen allele CA350671803.